The following is an entry in ClinVar:

ClinVar aggregate classification (germline): Uncertain significance (1 of 4 stars; one submission).

Allele frequency attached by ClinVar (database versions not stated): TOPMed below 0.00001; gnomAD 0.00001; ExAC 0.00002; gnomAD exomes 0.00003.
gnomAD v4.1: 39 of 1,613,866 alleles (0.0024%); highest among the groups gnomAD compares: South Asian, 0.041%; no homozygotes.

Submission:

Labcorp Genetics (formerly Invitae), Labcorp
Classification: Uncertain significance. Last evaluated: 2022-07-18. Review status: criteria provided, single submitter. Criteria: Invitae Variant Classification Sherloc (09022015). Collection method: clinical testing. Allele origin: germline.
Comment: In summary, the available evidence is currently insufficient to determine the role of this variant in disease. Therefore, it has been classified as a Variant of Uncertain Significance. Advanced modeling of protein sequence and biophysical properties (such as structural, functional, and spatial information, amino acid conservation, physicochemical variation, residue mobility, and thermodynamic stability) performed at Invitae indicates that this missense variant is not expected to disrupt SLC26A5 protein function. This variant has not been reported in the literature in individuals affected with SLC26A5-related conditions. This variant is present in population databases (rs761851520, gnomAD 0.03%). This sequence change replaces isoleucine, which is neutral and non-polar, with methionine, which is neutral and non-polar, at codon 9 of the SLC26A5 protein (p.Ile9Met).

NM_198999.3(SLC26A5):c.27C>G (p.Ile9Met)

Gene: SLC26A5 (solute carrier family 26 member 5; minus strand). Cytogenetic location: 7q22.1.
Variant type: single nucleotide variant.
Coding change: c.27C>G on transcript NM_198999.3 (MANE Select); coding-DNA position 27, C replaced by G.
Protein change: p.Ile9Met; replaces isoleucine 9 with methionine.
Molecular consequence: missense variant. On other transcripts: non-coding transcript variant (5).
Genome position (GRCh38, 1-based): chr7:103,421,488, G>C on the plus strand (C>G on the coding strand, the complement: SLC26A5 is on the minus strand). VCF-style: chr7-103421488-G-C. GRCh37 (hg19) VCF-style: chr7-103061935-G-C.
Other names: c.27C>G, p.Ile9Met (NM_206883.3, NM_206884.3, NM_206885.3 and 2 more transcripts); short protein forms I9M.
Identifiers: ClinVar variation 1902309 (VCV001902309.5), dbSNP rs761851520, ClinGen allele CA4419887.